The following is an entry in ClinVar:

NM_000064.4(C3):c.3880C>G (p.Leu1294Val)

Gene: C3 (complement C3; minus strand). Cytogenetic location: 19p13.3.
Variant type: single nucleotide variant.
Coding change: c.3880C>G on transcript NM_000064.4 (MANE Select); coding-DNA position 3880, C replaced by G.
Protein change: p.Leu1294Val; replaces leucine 1294 with valine.
Molecular consequence: missense variant.
Genome position (GRCh38, 1-based): chr19:6,685,077, G>C on the plus strand (C>G on the coding strand, the complement: C3 is on the minus strand). VCF-style: chr19-6685077-G-C. GRCh37 (hg19) VCF-style: chr19-6685088-G-C.
Other names: short protein forms L1294V.
Identifiers: ClinVar variation 4774185 (VCV004774185.1).

ClinVar aggregate classification (germline): Uncertain significance (1 of 4 stars; one submission).

Submission:

Labcorp Genetics (formerly Invitae), Labcorp
Classification: Uncertain significance. Last evaluated: 2025-08-11. Review status: criteria provided, single submitter. Criteria: Invitae Variant Classification Sherloc (09022015). Collection method: clinical testing. Allele origin: germline.
Comment: This sequence change replaces leucine, which is neutral and non-polar, with valine, which is neutral and non-polar, at codon 1294 of the C3 protein (p.Leu1294Val). This variant is not present in population databases (gnomAD no frequency). This variant has not been reported in the literature in individuals affected with C3-related conditions. Invitae Evidence Modeling of protein sequence and biophysical properties (such as structural, functional, and spatial information, amino acid conservation, physicochemical variation, residue mobility, and thermodynamic stability) indicates that this missense variant is not expected to disrupt C3 protein function with a negative predictive value of 80%. In summary, the available evidence is currently insufficient to determine the role of this variant in disease. Therefore, it has been classified as a Variant of Uncertain Significance.